The following is an entry in ClinVar:

ClinVar aggregate classification (germline): Conflicting classifications of pathogenicity. Review status: criteria provided, conflicting classifications (1 of 4 stars). 3 submissions from 3 submitters: Uncertain significance (2); Benign (1). Last evaluated 2026-04-28.

Conditions:
NEB-related disorder. Also called: NEB-related condition; NEB-Related Disorders.
Nemaline myopathy 2 (NEM2). Also called: Nemaline myopathy 2, autosomal recessive. Identifiers: MedGen C1850569, MONDO:0009725, OMIM 256030.
Inborn genetic diseases. Identifiers: MedGen C0950123, MeSH D030342.

Allele frequency attached by ClinVar (database versions not stated): gnomAD 0.00003; ExAC 0.00021; 1000 Genomes Project 30x 0.00047; 1000 Genomes Project 0.00060.
gnomAD v4.1: 79 of 1,608,458 alleles (0.0049%); highest among the groups gnomAD compares: South Asian, 0.082%; 1 homozygote.

Submissions (3):

PreventionGenetics, part of Exact Sciences
Classification: Uncertain significance for NEB-related condition. Last evaluated: 2026-04-28. Review status: criteria provided, single submitter. Criteria: ACMG Guidelines, 2015. Collection method: clinical testing. Allele origin: germline.
Comment: The NEB c.19057C>T variant is predicted to result in the amino acid substitution p.Pro6353Ser. To our knowledge, this variant has not been reported in the literature. This variant is reported in 0.085% of alleles in individuals of South Asian descent in gnomAD. At this time, the clinical significance of this variant is uncertain due to the absence of conclusive functional and genetic evidence.

Labcorp Genetics (formerly Invitae), Labcorp
Classification: Benign for Nemaline myopathy 2. Last evaluated: 2026-01-14. Review status: criteria provided, single submitter. Criteria: Invitae Variant Classification Sherloc (09022015). Collection method: clinical testing. Allele origin: germline.

Ambry Genetics
Classification: Uncertain significance for Inborn genetic diseases. Last evaluated: 2025-09-27. Review status: criteria provided, single submitter. Criteria: Ambry Variant Classification Scheme 2023. Collection method: clinical testing. Allele origin: germline.

NM_001164508.2(NEB):c.19057C>T (p.Pro6353Ser)

Gene: NEB (nebulin; minus strand). Cytogenetic location: 2q23.3.
Variant type: single nucleotide variant.
Coding change: c.19057C>T on transcript NM_001164508.2 (MANE Select); coding-DNA position 19057, C replaced by T.
Protein change: p.Pro6353Ser; replaces proline 6353 with serine.
Molecular consequence: missense variant.
Genome position (GRCh38, 1-based): chr2:151,561,252, G>A on the plus strand (C>T on the coding strand, the complement: NEB is on the minus strand). VCF-style: chr2-151561252-G-A. GRCh37 (hg19) VCF-style: chr2-152417766-G-A.
Other names: c.19057C>T, p.Pro6353Ser (NM_001164507.2, NM_001271208.2); c.13954C>T, p.Pro4652Ser (NM_004543.5); c.13954C>T (NM_004543.4); short protein forms P6353S, P4652S.
Identifiers: ClinVar variation 2005305 (VCV002005305.6), dbSNP rs538068134, ClinGen allele CA1907780.